The following is an entry in ClinVar:

NM_003238.6(TGFB2):c.973G>A (p.Asp325Asn)

Gene: TGFB2 (transforming growth factor beta 2; plus strand). Cytogenetic location: 1q41.
Variant type: single nucleotide variant.
Coding change: c.973G>A on transcript NM_003238.6 (MANE Select); coding-DNA position 973, G replaced by A.
Protein change: p.Asp325Asn; replaces aspartic acid 325 with asparagine.
Molecular consequence: missense variant. On other transcripts: non-coding transcript variant (2).
Genome position (GRCh38, 1-based): chr1:218,437,383, G>A. VCF-style: chr1-218437383-G-A. GRCh37 (hg19) VCF-style: chr1-218610725-G-A.
Other names: c.1057G>A, p.Asp353Asn (NM_001135599.4); short protein forms D325N, D353N.
Identifiers: ClinVar variation 4746553 (VCV004746553.1).
Genomic context (GRCh38, chr1:218,437,383, plus strand): 5'-TTTTTTTTTTTTTTTAACAGAAATGTGCAGGATAATTGCTGCCTACGTCCACTTTACATT[G>A]ATTTCAAGAGGGATCTAGGGTGGAAATGGATACACGAACCCAAAGGGTACAATGCCAACT-3'
Protein context (NP_003229.1, residues 315-335): DNCCLRPLYI[Asp325Asn]FKRDLGWKWI

ClinVar aggregate classification (germline): Uncertain significance (1 of 4 stars; one submission).

Conditions:
Loeys-Dietz syndrome 4 (LDS4). Also called: ANEURYSM, AORTIC AND CEREBRAL, WITH ARTERIAL TORTUOSITY AND SKELETAL MANIFESTATIONS; TGFB2-Related Loeys-Dietz Syndrome. Identifiers: MedGen C3553762, MONDO:0013897, OMIM 614816.

Submission:

Labcorp Genetics (formerly Invitae), Labcorp
Classification: Uncertain significance for Loeys-Dietz syndrome 4. Last evaluated: 2025-05-18. Review status: criteria provided, single submitter. Criteria: Invitae Variant Classification Sherloc (09022015). Collection method: clinical testing. Allele origin: germline.
Comment: This sequence change replaces aspartic acid, which is acidic and polar, with asparagine, which is neutral and polar, at codon 325 of the TGFB2 protein (p.Asp325Asn). This variant is not present in population databases (gnomAD no frequency). This variant has not been reported in the literature in individuals affected with TGFB2-related conditions. Invitae Evidence Modeling of protein sequence and biophysical properties (such as structural, functional, and spatial information, amino acid conservation, physicochemical variation, residue mobility, and thermodynamic stability) indicates that this missense variant is not expected to disrupt TGFB2 protein function with a negative predictive value of 80%. In summary, the available evidence is currently insufficient to determine the role of this variant in disease. Therefore, it has been classified as a Variant of Uncertain Significance.